The following is an entry in ClinVar:

NM_144499.3(GNAT1):c.745A>G (p.Ile249Val)

Gene: GNAT1 (G protein subunit alpha transducin 1; plus strand). Cytogenetic location: 3p21.31.
Variant type: single nucleotide variant.
Coding change: c.745A>G on transcript NM_144499.3 (MANE Select); coding-DNA position 745, A replaced by G.
Protein change: p.Ile249Val; replaces isoleucine 249 with valine.
Molecular consequence: missense variant.
Genome position (GRCh38, 1-based): chr3:50,194,537, A>G. VCF-style: chr3-50194537-A-G. GRCh37 (hg19) VCF-style: chr3-50231970-A-G.
Other names: c.745A>G, p.Ile249Val (NM_000172.4); short protein forms I249V.
Identifiers: ClinVar variation 3647578 (VCV003647578.2).

ClinVar aggregate classification (germline): Uncertain significance (1 of 4 stars; one submission).

gnomAD v4.1: 1 of 1,613,708 alleles (0.000062%); highest among the groups gnomAD compares: Admixed American, 0.0017%; no homozygotes.

Submission:

Labcorp Genetics (formerly Invitae), Labcorp
Classification: Uncertain significance. Last evaluated: 2024-03-26. Review status: criteria provided, single submitter. Criteria: Invitae Variant Classification Sherloc (09022015). Collection method: clinical testing. Allele origin: germline.
Comment: This sequence change replaces isoleucine, which is neutral and non-polar, with valine, which is neutral and non-polar, at codon 249 of the GNAT1 protein (p.Ile249Val). This variant is present in population databases (no rsID available, gnomAD 0.003%). This variant has not been reported in the literature in individuals affected with GNAT1-related conditions. Advanced modeling of protein sequence and biophysical properties (such as structural, functional, and spatial information, amino acid conservation, physicochemical variation, residue mobility, and thermodynamic stability) performed at Invitae indicates that this missense variant is not expected to disrupt GNAT1 protein function with a negative predictive value of 80%. In summary, the available evidence is currently insufficient to determine the role of this variant in disease. Therefore, it has been classified as a Variant of Uncertain Significance.